The following is an entry in ClinVar:

ClinVar aggregate classification (germline): Uncertain significance (1 of 4 stars; one submission).

Submission:

GeneDx
Classification: Uncertain significance. Last evaluated: 2025-08-04. Review status: criteria provided, single submitter. Criteria: GeneDx Variant Classification Process June 2021. Collection method: clinical testing. Allele origin: germline. Affected: yes.
Comment: Not observed at significant frequency in large population cohorts (gnomAD); In silico analysis supports that this missense variant has a deleterious effect on protein structure/function; Has not been previously published as pathogenic or benign to our knowledge

NM_001347721.2(DYRK1A):c.80G>A (p.Gly27Asp)

Gene: DYRK1A (dual specificity tyrosine phosphorylation regulated kinase 1A; plus strand). Cytogenetic location: 21q22.13.
Variant type: single nucleotide variant.
Coding change: c.80G>A on transcript NM_001347721.2 (MANE Select); coding-DNA position 80, G replaced by A.
Protein change: p.Gly27Asp; replaces glycine 27 with aspartic acid.
Molecular consequence: missense variant. On other transcripts: 5 prime UTR variant (1).
Genome position (GRCh38, 1-based): chr21:37,472,753, G>A. VCF-style: chr21-37472753-G-A. GRCh37 (hg19) VCF-style: chr21-38845055-G-A.
Other names: c.80G>A, p.Gly27Asp (NM_001347722.2, NM_001396.5, NM_101395.2 and 2 more transcripts); c.-8G>A (NM_001347723.2); short protein forms G27D.
Identifiers: ClinVar variation 4756008 (VCV004756008.1).
Genomic context (GRCh38, chr21:37,472,753, plus strand): 5'-CTTCAGCATGCAAACCTTCATCTGTTCGGCTTGCACCGTCATTTTCATTCCATGCTGCTG[G>A]CCTTCAGATGGCTGGACAGATGCCCCATTCACATCAGTACAGTGACCGTCGCCAGCCAAA-3'
Protein context (NP_001334650.1, residues 17-37): LAPSFSFHAA[Gly27Asp]LQMAGQMPHS